The following is an entry in ClinVar:

NM_020232.5(PSMG2):c.448A>T (p.Ser150Cys)

Gene: PSMG2 (proteasome assembly chaperone 2; plus strand). Cytogenetic location: 18p11.21.
Variant type: single nucleotide variant.
Coding change: c.448A>T on transcript NM_020232.5 (MANE Select); coding-DNA position 448, A replaced by T.
Protein change: p.Ser150Cys; replaces serine 150 with cysteine.
Molecular consequence: missense variant.
Genome position (GRCh38, 1-based): chr18:12,720,550, A>T. VCF-style: chr18-12720550-A-T. GRCh37 (hg19) VCF-style: chr18-12720549-A-T.
Other names: c.448A>T (NM_020232.4); c.355A>T, p.Ser119Cys (NM_147163.2); short protein forms S150C, S119C.
Identifiers: ClinVar variation 2908296 (VCV002908296.4), dbSNP rs145851136, ClinGen allele CA8898412.
Genomic context (GRCh38, chr18:12,720,550, plus strand): 5'-AACTATATGATTATTTCTAGTACTCCCTTCCGGTACCTACTTACACCTTCCATGCAAAAA[A>T]GTGTTCAAAATAAAATAAAGAGCCTTAACTGGGAAGAAATGGAAAAAAGCCGGTGCATTC-3'
Protein context (NP_064617.2, residues 140-160): RYLLTPSMQK[Ser150Cys]VQNKIKSLNW

ClinVar aggregate classification (germline): Uncertain significance. Review status: criteria provided, multiple submitters, no conflicts (2 of 4 stars). 2 submissions from 2 submitters: Uncertain significance (2). Last evaluated 2025-05-14.

Allele frequency attached by ClinVar (database versions not stated): gnomAD exomes 0.00001; ExAC 0.00002; gnomAD 0.00005; TOPMed 0.00005; ESP Exome Variant Server 0.00008.
gnomAD v4.1: 16 of 1,611,878 alleles (0.00099%); highest among the groups gnomAD compares: African/African-American, 0.02%; no homozygotes.

Submissions (2):

Ambry Genetics
Classification: Uncertain significance. Last evaluated: 2025-05-14. Review status: criteria provided, single submitter. Criteria: Ambry Variant Classification Scheme 2023. Collection method: clinical testing. Allele origin: germline.

Labcorp Genetics (formerly Invitae), Labcorp
Classification: Uncertain significance. Last evaluated: 2024-01-29. Review status: criteria provided, single submitter. Criteria: Invitae Variant Classification Sherloc (09022015). Collection method: clinical testing. Allele origin: germline.
Comment: This sequence change replaces serine, which is neutral and polar, with cysteine, which is neutral and slightly polar, at codon 150 of the PSMG2 protein (p.Ser150Cys). This variant is present in population databases (rs145851136, gnomAD 0.01%). This variant has not been reported in the literature in individuals affected with PSMG2-related conditions. An algorithm developed to predict the effect of missense changes on protein structure and function (PolyPhen-2) suggests that this variant is likely to be disruptive. In summary, the available evidence is currently insufficient to determine the role of this variant in disease. Therefore, it has been classified as a Variant of Uncertain Significance.